The following is an entry in ClinVar:

NM_004863.4(SPTLC2):c.1054del (p.Leu352fs)

Gene: SPTLC2 (serine palmitoyltransferase long chain base subunit 2; minus strand). Cytogenetic location: 14q24.3.
Variant type: Deletion.
Coding change: c.1054del on transcript NM_004863.4 (MANE Select); coding-DNA position 1054, one base deleted (C; older notation c.1054delC).
Protein change: p.Leu352fs; shifts the reading frame from leucine 352.
Molecular consequence: frameshift variant.
Genome position (GRCh38, 1-based): chr14:77,555,422, G deleted on the plus strand (C on the coding strand, the reverse complement: SPTLC2 is on the minus strand); the first of 3 consecutive G bases (chr14:77,555,422-77,555,424); deleting any one gives the same sequence. VCF-style (leftmost placement, unchanged base first): chr14-77555421-AG-A. GRCh37 (hg19) VCF-style: chr14-78021764-AG-A.
Other names: short protein forms L352fs.
Identifiers: ClinVar variation 3658097 (VCV003658097.2).

ClinVar aggregate classification (germline): Uncertain significance (1 of 4 stars; one submission).

Conditions:
Neuropathy, hereditary sensory and autonomic, type 1C. Also called: HSAN IC; HSN IC. Identifiers: Orphanet 36386, MedGen C3150896, MONDO:0013337, OMIM 613640.

Submission:

Labcorp Genetics (formerly Invitae), Labcorp
Classification: Uncertain significance for Neuropathy, hereditary sensory and autonomic, type 1C. Last evaluated: 2024-06-28. Review status: criteria provided, single submitter. Criteria: Invitae Variant Classification Sherloc (09022015). Collection method: clinical testing. Allele origin: germline.
Comment: This sequence change creates a premature translational stop signal (p.Leu352Trpfs*22) in the SPTLC2 gene. It is expected to result in an absent or disrupted protein product. However, the current clinical and genetic evidence is not sufficient to establish whether loss-of-function variants in SPTLC2 cause disease. This variant is not present in population databases (gnomAD no frequency). This variant has not been reported in the literature in individuals affected with SPTLC2-related conditions. In summary, the available evidence is currently insufficient to determine the role of this variant in disease. Therefore, it has been classified as a Variant of Uncertain Significance.